The following is an entry in ClinVar:

NM_032806.6(POMGNT2):c.70C>T (p.Arg24Trp)

Gene: POMGNT2 (protein O-linked mannose N-acetylglucosaminyltransferase 2 (beta 1,4-); minus strand). Cytogenetic location: 3p22.1.
Variant type: single nucleotide variant.
Coding change: c.70C>T on transcript NM_032806.6 (MANE Select); coding-DNA position 70, C replaced by T.
Protein change: p.Arg24Trp; replaces arginine 24 with tryptophan.
Molecular consequence: missense variant.
Genome position (GRCh38, 1-based): chr3:43,081,362, G>A on the plus strand (C>T on the coding strand, the complement: POMGNT2 is on the minus strand). VCF-style: chr3-43081362-G-A. GRCh37 (hg19) VCF-style: chr3-43122854-G-A.
Other names: c.70C>T (NM_032806.4); short protein forms R24W.
Identifiers: ClinVar variation 1046344 (VCV001046344.5), dbSNP rs756555077, ClinGen allele CA2340164.

ClinVar aggregate classification (germline): Uncertain significance. Review status: criteria provided, multiple submitters, no conflicts (2 of 4 stars). 3 submissions from 3 submitters: Uncertain significance (3). Last evaluated 2022-08-09.

Conditions:
Muscular dystrophy-dystroglycanopathy (congenital with brain and eye anomalies), type a, 8 (MDDGA8). Also called: WALKER-WARBURG SYNDROME OR MUSCLE-EYE-BRAIN DISEASE, GTDC2-RELATED. Identifiers: Orphanet 899, MedGen C3553813, MONDO:0013904, OMIM 614830.
Inborn genetic diseases. Identifiers: MedGen C0950123, MeSH D030342.

Allele frequency attached by ClinVar (database versions not stated): ExAC 0.00001; gnomAD exomes 0.00001; TOPMed 0.00005.

Submissions (3):

Labcorp Genetics (formerly Invitae), Labcorp
Classification: Uncertain significance for Muscular dystrophy-dystroglycanopathy (congenital with brain and eye anomalies), type a, 8. Last evaluated: 2022-08-09. Review status: criteria provided, single submitter. Criteria: Invitae Variant Classification Sherloc (09022015). Collection method: clinical testing. Allele origin: germline.
Comment: This sequence change replaces arginine, which is basic and polar, with tryptophan, which is neutral and slightly polar, at codon 24 of the POMGNT2 protein (p.Arg24Trp). The frequency data for this variant in the population databases is considered unreliable, as metrics indicate poor data quality at this position in the gnomAD database. This variant has not been reported in the literature in individuals affected with POMGNT2-related conditions. ClinVar contains an entry for this variant (Variation ID: 1046344). Algorithms developed to predict the effect of missense changes on protein structure and function (SIFT, PolyPhen-2, Align-GVGD) all suggest that this variant is likely to be disruptive. In summary, the available evidence is currently insufficient to determine the role of this variant in disease. Therefore, it has been classified as a Variant of Uncertain Significance.

Ambry Genetics
Classification: Uncertain significance for Inborn genetic diseases. Last evaluated: 2021-07-26. Review status: criteria provided, single submitter. Criteria: Ambry Variant Classification Scheme 2023. Collection method: clinical testing. Allele origin: germline.

Breakthrough Genomics
Classification: Uncertain significance. Review status: criteria provided, single submitter. Criteria: ACMG Guidelines, 2015. Collection method: not provided. Allele origin: germline. Inheritance: Autosomal recessive inheritance. Affected: yes.